The following continues an entry in ClinVar:

NM_000035.4(ALDOB):c.524C>A (p.Ala175Asp)

Gene: ALDOB. ClinVar aggregate classification (germline): Pathogenic. Pathogenic (23).

Submissions 13 to 28 of 28:

Laboratorio de Genetica e Diagnostico Molecular, Hospital Israelita Albert Einstein
Classification: Pathogenic. Last evaluated: 2022-03-28. Review status: criteria provided, single submitter. Criteria: ACMG Guidelines, 2015. Collection method: clinical testing. Allele origin: germline. Affected: yes.
Comment: ACMG classification criteria: PS3, PS4, PM2, PM3, PP3

Revvity Omics, Revvity
Classification: Pathogenic for Hereditary fructosuria. Last evaluated: 2022-01-02. Review status: criteria provided, single submitter. Criteria: ACMG Guidelines, 2015. Collection method: clinical testing. Allele origin: germline.

Genome-Nilou Lab
Classification: Pathogenic for Hereditary fructosuria. Last evaluated: 2021-07-22. Review status: criteria provided, single submitter. Criteria: ACMG Guidelines, 2015. Collection method: clinical testing. Allele origin: germline. Affected: no.

Centre for Inherited Metabolic Diseases, Karolinska University Hospital
Classification: Pathogenic for Hereditary fructosuria. Last evaluated: 2021-04-07. Review status: criteria provided, single submitter. Criteria: ACMG Guidelines, 2015. Collection method: clinical testing. Allele origin: germline. Inheritance: Autosomal recessive inheritance. Affected: yes. Observed: 1 homozygote.

Myriad Genetics, Inc.
Classification: Pathogenic for Hereditary fructosuria. Last evaluated: 2019-11-12. Review status: criteria provided, single submitter. Criteria: Myriad Women's Health Autosomal Recessive and X-Linked Classification Criteria (2019). Collection method: clinical testing. Allele origin: unknown.
Comment: NM_000035.3(ALDOB):c.524C>A(A175D) is classified as pathogenic in the context of hereditary fructose intolerance. Sources cited for classification include the following: PMID 15880727, 18541450, 1967768, 12417303 and 20033295. Classification of NM_000035.3(ALDOB):c.524C>A(A175D) is based on the following criteria: This is a well-established pathogenic variant in the literature that has been observed more frequently in patients with clinical diagnoses than in healthy populations. Please note: this variant was assessed in the context of healthy population screening.

Fulgent Genetics
Classification: Pathogenic for Hereditary fructosuria. Last evaluated: 2018-10-31. Review status: criteria provided, single submitter. Criteria: ACMG Guidelines, 2015. Collection method: clinical testing. Allele origin: unknown.

Eurofins Ntd Llc (ga)
Classification: Pathogenic. Last evaluated: 2017-10-03. Review status: criteria provided, single submitter. Criteria: EGL Classification Definitions 2015. Collection method: clinical testing. Allele origin: germline. Observed: 6 variant alleles, 6 heterozygotes.

Women's Health and Genetics/Laboratory Corporation of America, LabCorp
Classification: Pathogenic for Hereditary fructosuria. Last evaluated: 2017-02-10. Review status: criteria provided, single submitter. Criteria: LabCorp Variant Classification Summary - May 2015. Collection method: clinical testing. Allele origin: germline.
Comment: Variant summary: The ALDOB c.524C>A (p.Ala175Asp) variant involves the alteration of a conserved nucleotide and results in a replacement of a small size and hydrophobic Alanine (A) with a medium size and acidic Aspartic acid (D) located in the Fructose-bisphosphate aldolase domain. 5/5 in silico tools predict a damaging outcome for this substitution. This variant was found in 40/121278 control chromosomes at a frequency of 0.0003298, which does not exceed the estimated maximal expected allele frequency of a pathogenic ALDOB variant (0.0044721). It was reported in several Hereditary Fructose Intolerance patients in homozygosity or in compound heterozygosity with other potentially pathogenic ALDOB variants suggesting pathogenicity. A functional study reported the variant to result in insoluble form of the ALDB protein when expressed in E.Coli indicating that structural perturbations produced by the variant affects the overall integrity of the enzyme. Moreover, the variant is known to be a common disease causing mutation accounting for about 70-80% of all HFI alleles worldwide (PMID: 20848650). In addition, multiple clinical diagnostic laboratories/reputable databases classified this variant as pathogenic. Taken together, this variant is classified as pathogenic.

CENTOGENE GmbH and LLC - Guiding Precision Medicine
Classification: Pathogenic for Hereditary fructosuria. Review status: criteria provided, single submitter. Criteria: ACMG Guidelines, 2015. Collection method: clinical testing. Allele origin: germline. Affected: yes.

Kariminejad - Najmabadi Pathology & Genetics Center
Classification: Pathogenic for Hereditary fructosuria. Review status: criteria provided, single submitter. Criteria: ACMG Guidelines, 2015. Collection method: clinical testing. Allele origin: germline. Affected: no.

Rady Children's Institute for Genomic Medicine, Rady Children's Hospital San Diego
Classification: Pathogenic for FRUCTOSE INTOLERANCE, HEREDITARY. Review status: criteria provided, single submitter. Criteria: ACMG Guidelines, 2015. Collection method: clinical testing. Allele origin: germline. Affected: yes.
Comment: This variant (also referred to as p.Ala174Asp in the literature) has been previously reported either in the homozygous or in the compound heterozygous state in patients with hereditary fructose intolerance (PMID: 12205126, 15880727, 18541450, 26937407). The c.524C>A (p.Ala175Asp) variant is the second most common pathogenic variant in ALDOB (PMID: 15880727). In vitro testing of this variant as a recombinant protein suggested that it may affect the protein's structural stability (PMID: 10625657, 12417303). It is present in the heterozygous state in the gnomAD population database at a frequency of 0.035% (99/282292) and is absent in the homozygous state. The c.524C>A (p.Ala175Asp) variant affects a highly conserved amino acid and is predicted by multiple in silico tools to have a deleterious effect on protein function. Based on the available evidence, the c.524C>A (p.Ala175Asp) variant is classified as Pathogenic.

PreventionGenetics, part of Exact Sciences
Classification: Pathogenic for ALDOB-related condition. Last evaluated: 2024-02-09. Review status: no assertion criteria provided. Collection method: clinical testing. Allele origin: germline. Not counted in ClinVar's aggregate classification.
Comment: The ALDOB c.524C>A variant is predicted to result in the amino acid substitution p.Ala175Asp. This variant has been reported to be one of the most common causative variants for hereditary fructose intolerance (for example see: Cross and Cox. 1990. PubMed ID: 2349937; Santer et al. 2005. PubMed ID: 15880727; Davit-Spraul et al. 2008. PubMed ID: 18541450; Valadares et al. 2015. PubMed ID: 26937407). Note, this variant is also referred to as A174D in some literature. This variant is reported in 0.16% of alleles in individuals of Ashkenazi Jewish descent in gnomAD. This variant is interpreted as pathogenic.

ATS em Genética Clínica, Universidade Federal do Rio Grande do Sul
Classification: Pathogenic for Hereditary fructosuria. Last evaluated: 2021-03-18. Review status: no assertion criteria provided. Collection method: literature only. Allele origin: unknown. Affected: yes. Not counted in ClinVar's aggregate classification.

OMIM
Classification: Pathogenic for FRUCTOSE INTOLERANCE, HEREDITARY. Last evaluated: 2008-08-01. Review status: no assertion criteria provided. Collection method: literature only. Allele origin: germline. Not counted in ClinVar's aggregate classification.

GeneReviews
No classification provided. Condition: Hereditary fructosuria. Review status: no classification provided. Collection method: literature only. Allele origin: germline. Not counted in ClinVar's aggregate classification.
Comment: One of the six most common HFI variants in US and European populations including Turkey, Spain, Central Europe, France, US, and Italy

HFI Laboratory at Boston University, Boston University
Classification: Pathogenic for Hereditary fructosuria. Review status: no assertion criteria provided. Collection method: clinical testing. Allele origin: germline. Not counted in ClinVar's aggregate classification.

Literature cited by the submitters: PubMed 1967768 (cited by 8 submitters); PubMed 15880727 (cited by 4 submitters); PubMed 18541450 (cited by 6 submitters); PubMed 26937407 (cited by 4 submitters); PubMed 10625657 (cited by Labcorp Genetics (formerly Invitae), Labcorp and Variantyx, Inc.); PubMed 12417303 (cited by 5 submitters); PubMed 34162028 (cited by Natera, Inc.); PubMed 23430936 (cited by 3 submitters); PubMed 18188031 (cited by 3billion and Ambry Genetics); PubMed 31591370 (cited by Variantyx, Inc.); PubMed 818803 (cited by Variantyx, Inc.); PubMed 12205126 (cited by Ambry Genetics and GeneReviews); PubMed 20033295 (cited by Myriad Genetics, Inc. and GeneReviews); PubMed 32860008 (cited by CENTOGENE GmbH and LLC - Guiding Precision Medicine); PubMed 11757579 (cited by GeneReviews).